The following is an entry in ClinVar:

NM_024426.6(WT1):c.19C>A (p.Gln7Lys)

Genes: WT1 (WT1 transcription factor; minus strand), LOC107982234 (WT1/WT1-AS bi-directional promoter region; plus strand). Cytogenetic location: 11p13.
Variant type: single nucleotide variant.
Coding change: c.19C>A on transcript NM_024426.6 (MANE Select); coding-DNA position 19, C replaced by A.
Protein change: p.Gln7Lys; replaces glutamine 7 with lysine.
Molecular consequence: missense variant. On other transcripts: non-coding transcript variant (1).
Genome position (GRCh38, 1-based): chr11:32,435,342, G>T on the plus strand (C>A on the coding strand, the complement: WT1 is on the minus strand). VCF-style: chr11-32435342-G-T. GRCh37 (hg19) VCF-style: chr11-32456888-G-T.
Other names: c.19C>A, p.Gln7Lys (NM_000378.6, NM_024424.5); c.4C>A (NM_024426.4); short protein forms Q7K.
Identifiers: ClinVar variation 1479531 (VCV001479531.4), dbSNP rs2133108011, ClinGen allele CA379966561.

ClinVar aggregate classification (germline): Conflicting classifications of pathogenicity. Review status: criteria provided, conflicting classifications (1 of 4 stars). 2 submissions from 2 submitters: Uncertain significance (1); Likely benign (1). Last evaluated 2025-02-06.

Conditions:
Inborn genetic diseases. Identifiers: MedGen C0950123, MeSH D030342.
Frasier syndrome. Identifiers: Orphanet 347, MedGen C0950122, MeSH D052159, MONDO:0007635, OMIM 136680.
Drash syndrome (DDS). Also called: WILMS TUMOR AND PSEUDO- OR TRUE HERMAPHRODITISM; NEPHROPATHY, WILMS TUMOR, AND GENITAL ANOMALIES. Identifiers: Orphanet 220, MedGen C0950121, MONDO:0008682, OMIM 194080.
Wilms tumor 1 (WT1). Also called: Wilms tumor, somatic. Identifiers: Orphanet 654, MedGen CN033288, MONDO:0008679, OMIM 194070.
11p partial monosomy syndrome (WAGR). Also called: WAGR Complex; WAGR Spectrum Disorder; WAGR syndrome; CHROMOSOME 11p13 DELETION SYNDROME. Identifiers: Orphanet 893, MedGen C0206115, MONDO:0008681, OMIM 194072.

Submissions (2):

Ambry Genetics
Classification: Likely benign for Inborn genetic diseases. Last evaluated: 2025-02-06. Review status: criteria provided, single submitter. Criteria: Ambry Variant Classification Scheme 2023. Collection method: clinical testing. Allele origin: germline.

Labcorp Genetics (formerly Invitae), Labcorp
Classification: Uncertain significance for Wilms tumor 1; Drash syndrome; 11p partial monosomy syndrome; Frasier syndrome. Last evaluated: 2022-07-12. Review status: criteria provided, single submitter. Criteria: Invitae Variant Classification Sherloc (09022015). Collection method: clinical testing. Allele origin: germline.
Comment: This sequence change replaces glutamine, which is neutral and polar, with lysine, which is basic and polar, at codon 2 of the WT1 protein (p.Gln2Lys). This variant is not present in population databases (gnomAD no frequency). This variant has not been reported in the literature in individuals affected with WT1-related conditions. ClinVar contains an entry for this variant (Variation ID: 1479531). Algorithms developed to predict the effect of missense changes on protein structure and function are either unavailable or do not agree on the potential impact of this missense change (SIFT: "Deleterious"; PolyPhen-2: "Benign"; Align-GVGD: "Class C0"). In summary, the available evidence is currently insufficient to determine the role of this variant in disease. Therefore, it has been classified as a Variant of Uncertain Significance.